The following is an entry in ClinVar:

NM_000153.4(GALC):c.293dup (p.Leu98fs)

Gene: GALC (galactosylceramidase; minus strand). Cytogenetic location: 14q31.3.
Variant type: Duplication.
Coding change: c.293dup on transcript NM_000153.4 (MANE Select); coding-DNA position 293, one base duplicated (T; older notation c.293dupT).
Protein change: p.Leu98fs; shifts the reading frame from leucine 98.
Molecular consequence: frameshift variant.
Genome position (GRCh38, 1-based): chr14:87,988,179, A duplicated on the plus strand (T on the coding strand, the reverse complement: GALC is on the minus strand); the first of 4 consecutive A bases (chr14:87,988,179-87,988,182); duplicating any one gives the same sequence. VCF-style (leftmost placement, unchanged base first): chr14-87988178-T-TA. GRCh37 (hg19) VCF-style: chr14-88454522-T-TA.
Other names: c.224dup, p.Leu75fs (NM_001201401.2); c.215dup, p.Leu72fs (NM_001201402.2); short protein forms L72fs, L75fs, L98fs.
Identifiers: ClinVar variation 988571 (VCV000988571.15), dbSNP rs757799254, ClinGen allele CA7297438.

ClinVar aggregate classification (germline): Pathogenic/Likely pathogenic. Review status: criteria provided, multiple submitters, no conflicts (2 of 4 stars). 3 submissions from 3 submitters: Pathogenic (2); Likely pathogenic (1). Last evaluated 2022-08-01.

Conditions:
Galactosylceramide beta-galactosidase deficiency. Also called: Krabbe Disease; GALACTOCEREBROSIDASE DEFICIENCY; GALC DEFICIENCY; GLOBOID CELL LEUKOENCEPHALOPATHY; Leukodystrophy, Globoid Cell. Identifiers: Orphanet 487, MedGen C0023521, MONDO:0009499, OMIM 245200.

Submissions (3):

Labcorp Genetics (formerly Invitae), Labcorp
Classification: Pathogenic for Galactosylceramide beta-galactosidase deficiency. Last evaluated: 2022-08-01. Review status: criteria provided, single submitter. Criteria: Invitae Variant Classification Sherloc (09022015). Collection method: clinical testing. Allele origin: germline.
Comment: This premature translational stop signal has been observed in individual(s) with Krabbe disease (PMID: 31240153). This variant is present in population databases (rs757799254, gnomAD 0.002%). This sequence change creates a premature translational stop signal (p.Leu98Phefs*8) in the GALC gene. It is expected to result in an absent or disrupted protein product. Loss-of-function variants in GALC are known to be pathogenic (PMID: 7437911, 9272171, 16607461). This variant is also known as c.293insT. For these reasons, this variant has been classified as Pathogenic. Algorithms developed to predict the effect of sequence changes on RNA splicing suggest that this variant may disrupt the consensus splice site. ClinVar contains an entry for this variant (Variation ID: 988571).

Mayo Clinic Laboratories, Mayo Clinic
Classification: Likely pathogenic. Last evaluated: 2019-08-26. Review status: criteria provided, single submitter. Criteria: ACMG Guidelines, 2015. Collection method: clinical testing. Allele origin: germline. Observed: 1 variant allele.
Comment: PVS1, PM2

Clinical Genetics and Genomics, Karolinska University Hospital
Classification: Pathogenic. Last evaluated: 2019-05-13. Review status: criteria provided, single submitter. Criteria: ACMG Guidelines, 2015. Collection method: clinical testing. Allele origin: germline. Affected: yes. Observed: 1 variant allele.

Literature cited by the submitters: PubMed 31240153 (cited by Labcorp Genetics (formerly Invitae), Labcorp); PubMed 7437911 (cited by Labcorp Genetics (formerly Invitae), Labcorp); PubMed 9272171 (cited by Labcorp Genetics (formerly Invitae), Labcorp); PubMed 16607461 (cited by Labcorp Genetics (formerly Invitae), Labcorp).